The following is an entry in ClinVar:

ClinVar aggregate classification (germline): Pathogenic. Review status: criteria provided, multiple submitters, no conflicts (2 of 4 stars). 9 submissions from 8 submitters: Pathogenic (7). 2 of the submissions do not count toward it. Last evaluated 2024-06-13.

Conditions:
ASPM-related disorder. Also called: ASPM-related condition.
Microcephaly 5, primary, autosomal recessive (MCPH5). Also called: ASPM Primary Microcephaly. Identifiers: Orphanet 2512, MedGen C1837501, MONDO:0012106, OMIM 608716.

Submissions (9):

Blueprint Genetics
Classification: Pathogenic for ASPM-related disorders. Last evaluated: 2024-06-13. Review status: criteria provided, single submitter. Criteria: ACMG Guidelines, 2015. Collection method: clinical testing. Allele origin: germline. Affected: yes. Observed: 1 variant allele.

Genomic Medicine Center of Excellence, King Faisal Specialist Hospital and Research Centre
Classification: Pathogenic for Microcephaly 5, primary, autosomal recessive. Last evaluated: 2024-03-14. Review status: criteria provided, single submitter. Criteria: ACMG Guidelines, 2015. Collection method: research. Allele origin: germline.

Genome-Nilou Lab
Classification: Pathogenic for Microcephaly 5, primary, autosomal recessive. Last evaluated: 2023-04-11. Review status: criteria provided, single submitter. Criteria: ACMG Guidelines, 2015. Collection method: clinical testing. Allele origin: germline. Affected: no.

Revvity Omics, Revvity
Classification: Pathogenic for Microcephaly 5, primary, autosomal recessive. Last evaluated: 2022-06-28. Review status: criteria provided, single submitter. Criteria: ACMG Guidelines, 2015. Collection method: clinical testing. Allele origin: germline.

Broad Center for Mendelian Genomics, Broad Institute of MIT and Harvard
Classification: Pathogenic for Microcephaly 5, primary, autosomal recessive. Last evaluated: 2022-05-04. Review status: criteria provided, single submitter. Criteria: ACMG Guidelines, 2015. Collection method: curation. Allele origin: germline. Inheritance: Autosomal recessive inheritance.
Comment: The homozygous p.Gln380Ter variant in ASPM was identified by our study in 2 siblings with autosomal recessive primary microcephaly 5. This variant has also been reported in ClinVar (Variation ID: 157777) as pathogenic by Genetic Services Laboratory, University of Chicago and Biochemical Molecular Genetic Laboratory, King Abdulaziz Medical City, and as likely pathogenic by Developmental Genetics Unit, King Faisal Specialist Hospital & Research Centre. This nonsense variant leads to a premature termination codon at position 380, which is predicted to lead to a truncated or absent protein. Loss of function of the ASPM gene is an established disease mechanism in autosomal recessive primary microcephaly 5. The presence of this variant in at least 2 homozygotes, and in 2 individuals with autosomal recessive primary microcephaly 5 increases the likelihood that the p.Gln380Ter variant is pathogenic (PMID: 23611254). In summary, this variant meets criteria to be classified as pathogenic for autosomal recessive primary microcephaly 5 based on the predicted impact of the variant, its absence from control populations, and its homozygous appearance in 3 affected individuals. ACMG/AMP Criteria applied: PVS1, PM2, PM3 (Richards 2015).

Baylor Genetics
Classification: Pathogenic for Microcephaly 5, primary, autosomal recessive. Last evaluated: 2019-10-30. Review status: criteria provided, single submitter. Criteria: ACMG Guidelines, 2015. Collection method: clinical testing. Allele origin: unknown. Affected: yes.
Comment: This variant was determined to be pathogenic according to ACMG Guidelines, 2015 [PMID:25741868].

Genetic Services Laboratory, University of Chicago
Classification: Pathogenic for Microcephaly 5, primary, autosomal recessive. Last evaluated: 2013-02-08. Review status: criteria provided, single submitter. Criteria: ACMG Guidelines, 2007. Collection method: clinical testing. Allele origin: germline. Inheritance: Autosomal recessive inheritance. Affected: yes.

Biochemical Molecular Genetic Laboratory, King Abdulaziz Medical City
Classification: Pathogenic for Microcephaly 5, primary, autosomal recessive. Last evaluated: 2019-08-25. Review status: no assertion criteria provided. Collection method: clinical testing. Allele origin: germline. Affected: yes. Not counted in ClinVar's aggregate classification.

Genomic Medicine Center of Excellence, King Faisal Specialist Hospital and Research Centre
Classification: Likely pathogenic. Review status: flagged submission. Criteria: ACMG Guidelines, 2015. Collection method: research. Allele origin: germline. Affected: yes. Not counted in ClinVar's aggregate classification.
ClinVar note: Reason: This record appears to be redundant with a more recent record from the same submitter.
ClinVar note: Notes: SCV000221358 appears to be redundant with SCV004801137.

NM_018136.5(ASPM):c.1138C>T (p.Gln380Ter)

Gene: ASPM (assembly factor for spindle microtubules; minus strand). Cytogenetic location: 1q31.3.
Variant type: single nucleotide variant.
Coding change: c.1138C>T on transcript NM_018136.5 (MANE Select); coding-DNA position 1138, C replaced by T.
Protein change: p.Gln380Ter; replaces glutamine 380 with a stop codon.
Molecular consequence: nonsense.
Genome position (GRCh38, 1-based): chr1:197,143,114, G>A on the plus strand (C>T on the coding strand, the complement: ASPM is on the minus strand). VCF-style: chr1-197143114-G-A. GRCh37 (hg19) VCF-style: chr1-197112244-G-A.
Other names: NM_018136.5(ASPM):c.1138C>T; p.Gln380Ter; c.1138C>T, p.Gln380Ter (NM_001206846.2); short protein forms Q380*.
Identifiers: ClinVar variation 157777 (VCV000157777.17), dbSNP rs587783215, ClinGen allele CA235766.